The following is an entry in ClinVar:

NM_001322934.2(NFKB2):c.2119T>A (p.Ser707Thr)

Gene: NFKB2 (nuclear factor kappa B subunit 2; plus strand). Cytogenetic location: 10q24.32.
Variant type: single nucleotide variant.
Coding change: c.2119T>A on transcript NM_001322934.2 (MANE Select); coding-DNA position 2119, T replaced by A.
Protein change: p.Ser707Thr; replaces serine 707 with threonine.
Molecular consequence: missense variant.
Genome position (GRCh38, 1-based): chr10:102,401,227, T>A. VCF-style: chr10-102401227-T-A. GRCh37 (hg19) VCF-style: chr10-104160984-T-A.
Other names: c.2119T>A, p.Ser707Thr (NM_001077493.1, NM_001077494.3, NM_001261403.3 and 2 more transcripts); c.1993T>A, p.Ser665Thr (NM_001322935.1); short protein forms S665T, S707T.
Identifiers: ClinVar variation 2008856 (VCV002008856.4), dbSNP rs2544600218, ClinGen allele CA377904143.

ClinVar aggregate classification (germline): Uncertain significance (1 of 4 stars; one submission).

Conditions:
Immunodeficiency, common variable, 10. Also called: DEFICIT IN ANTERIOR PITUITARY FUNCTION AND VARIABLE IMMUNODEFICIENCY; IMMUNODEFICIENCY, COMMON VARIABLE, WITH CENTRAL ADRENAL INSUFFICIENCY. Identifiers: MedGen C3809991, MONDO:0014260, OMIM 615577.

Submission:

Labcorp Genetics (formerly Invitae), Labcorp
Classification: Uncertain significance for Immunodeficiency, common variable, 10. Last evaluated: 2022-06-22. Review status: criteria provided, single submitter. Criteria: Invitae Variant Classification Sherloc (09022015). Collection method: clinical testing. Allele origin: germline.
Comment: In summary, the available evidence is currently insufficient to determine the role of this variant in disease. Therefore, it has been classified as a Variant of Uncertain Significance. Algorithms developed to predict the effect of missense changes on protein structure and function are either unavailable or do not agree on the potential impact of this missense change (SIFT: "Deleterious"; PolyPhen-2: "Possibly Damaging"; Align-GVGD: "Class C0"). This variant has not been reported in the literature in individuals affected with NFKB2-related conditions. This variant is not present in population databases (gnomAD no frequency). This sequence change replaces serine, which is neutral and polar, with threonine, which is neutral and polar, at codon 707 of the NFKB2 protein (p.Ser707Thr).